The following is an entry in ClinVar:

ClinVar aggregate classification (germline): Uncertain significance (1 of 4 stars; one submission).

Conditions:
Intellectual developmental disorder, X-linked, syndromic, Raymond type. Also called: Syndromic X-linked intellectual disability Raymond type. Identifiers: MedGen C3275406, MONDO:0010427, OMIM 300799.

Submission:

Labcorp Genetics (formerly Invitae), Labcorp
Classification: Uncertain significance for Intellectual developmental disorder, X-linked, syndromic, Raymond type. Last evaluated: 2023-09-27. Review status: criteria provided, single submitter. Criteria: Invitae Variant Classification Sherloc (09022015). Collection method: clinical testing. Allele origin: unknown.
Comment: A copy number gain of the genomic region encompassing the full coding sequence of the ZDHHC9 gene has been identified. The boundaries of this event are unknown as they extend beyond the assayed region for this gene and therefore may encompass additional genes. As the precise location of this event is unknown, it may be in tandem or it may be located elsewhere in the genome. Isolated whole-gene copy number gains of ZDHHC9 have not been reported in the literature. However, larger copy number events that include this gene have been reported (PMID: 22796527). In summary, the available evidence is currently insufficient to determine the role of this variant in disease. Therefore, it has been classified as a Variant of Uncertain Significance.

Literature cited by the submitters: PubMed 22796527.

NC_000023.10:g.(?_128940346)_(128975921_?)dup

Gene: ZDHHC9 (zDHHC palmitoyltransferase 9; minus strand). Cytogenetic location: Xq26.1.
Variant type: Duplication.
Identifiers: ClinVar variation 3245295 (VCV003245295.1).